The following is an entry in ClinVar:

NM_001164508.2(NEB):c.23971_23974dup (p.Thr7992fs)

Genes: NEB (nebulin; minus strand), RIF1 (replication timing regulatory factor 1; plus strand). Cytogenetic location: 2q23.3.
Variant type: Duplication.
Coding change: c.23971_23974dup on transcript NM_001164508.2 (MANE Select); coding-DNA positions 23971 to 23974, 4 bases duplicated (GTCA; older notation c.23971_23974dupGTCA).
Protein change: p.Thr7992fs; shifts the reading frame from threonine 7992.
Molecular consequence: frameshift variant. On other transcripts: intron variant (1).
Genome position (GRCh38, 1-based): chr2:151,501,438-151,501,441, TGAC duplicated on the plus strand (GTCA on the coding strand, the reverse complement: NEB is on the minus strand). VCF-style (leftmost placement, unchanged base first): chr2-151501437-G-GTGAC. GRCh37 (hg19) VCF-style: chr2-152357951-G-GTGAC.
Other names: c.23971_23974dup, p.Thr7992fs (NM_001164507.2); c.24076_24079dup, p.Thr8027fs (NM_001271208.2); c.18825+1352_18825+1355dup (NM_004543.5); short protein forms T7992fs, T8027fs.
Identifiers: ClinVar variation 2758773 (VCV002758773.3), dbSNP rs2551906636, ClinGen allele CA2697551067.

ClinVar aggregate classification (germline): Pathogenic (1 of 4 stars; one submission).

Conditions:
Nemaline myopathy 2 (NEM2). Also called: Nemaline myopathy 2, autosomal recessive. Identifiers: MedGen C1850569, MONDO:0009725, OMIM 256030.

Submission:

Labcorp Genetics (formerly Invitae), Labcorp
Classification: Pathogenic for Nemaline myopathy 2. Last evaluated: 2023-09-08. Review status: criteria provided, single submitter. Criteria: Invitae Variant Classification Sherloc (09022015). Collection method: clinical testing. Allele origin: germline.
Comment: This sequence change creates a premature translational stop signal (p.Thr8027Serfs*4) in the NEB gene. It is expected to result in an absent or disrupted protein product. Loss-of-function variants in NEB are known to be pathogenic (PMID: 25205138). For these reasons, this variant has been classified as Pathogenic. Algorithms developed to predict the effect of sequence changes on RNA splicing suggest that this variant may disrupt the consensus splice site. This variant has not been reported in the literature in individuals affected with NEB-related conditions. This variant is not present in population databases (gnomAD no frequency).

Literature cited by the submitters: PubMed 25205138.